The following is an entry in ClinVar:

NM_016734.3(PAX5):c.619C>T (p.Pro207Ser)

Gene: PAX5 (paired box 5; minus strand). Cytogenetic location: 9p13.2.
Variant type: single nucleotide variant.
Coding change: c.619C>T on transcript NM_016734.3 (MANE Select); coding-DNA position 619, C replaced by T.
Protein change: p.Pro207Ser; replaces proline 207 with serine.
Molecular consequence: missense variant. On other transcripts: non-coding transcript variant (2).
Genome position (GRCh38, 1-based): chr9:36,966,710, G>A on the plus strand (C>T on the coding strand, the complement: PAX5 is on the minus strand). VCF-style: chr9-36966710-G-A. GRCh37 (hg19) VCF-style: chr9-36966707-G-A.
Other names: c.619C>T, p.Pro207Ser (NM_001280547.2, NM_001280548.2, NM_001280549.2 and 2 more transcripts); c.295C>T, p.Pro99Ser (NM_001280551.2, NM_001280556.2); c.490C>T, p.Pro164Ser (NM_001280553.2, NM_001280554.2); c.421C>T, p.Pro141Ser (NM_001280555.2); short protein forms P99S, P141S, P164S, P207S.
Identifiers: ClinVar variation 3885894 (VCV003885894.1).

ClinVar aggregate classification (germline): Uncertain significance (1 of 4 stars; one submission).

Conditions:
Inborn genetic diseases. Identifiers: MedGen C0950123, MeSH D030342.

Submission:

Ambry Genetics
Classification: Uncertain significance for Inborn genetic diseases. Last evaluated: 2024-12-20. Review status: criteria provided, single submitter. Criteria: Ambry Variant Classification Scheme 2023. Collection method: clinical testing. Allele origin: germline.
Comment: The p.P207S variant (also known as c.619C>T), located in coding exon 6 of the PAX5 gene, results from a C to T substitution at nucleotide position 619. The proline at codon 207 is replaced by serine, an amino acid with similar properties. This amino acid position is conserved. In addition, this alteration is predicted to be deleterious by in silico analysis. Based on the available evidence, the clinical significance of this variant remains unclear.